The following is an entry in ClinVar:

ClinVar aggregate classification (germline): Benign. Review status: criteria provided, single submitter (1 of 4 stars). 6 submissions from 1 submitter: Benign (6). Last evaluated 2018-01-13.

Conditions:
Anophthalmia-microphthalmia syndrome. Also called: Anophthalmia/Microphthalmia; Anophthalmia - microphthalmia. Identifiers: Orphanet 98555, MedGen C5680330, MONDO:0020147.
Autosomal dominant keratitis. Also called: Keratitis, hereditary. Identifiers: Orphanet 2334, MedGen C1835698, MONDO:0007848, OMIM 148190.
carboxymethyl-dextran-A2-gadolinium-DOTA.
Foveal hypoplasia 1. Also called: FOVEAL HYPOPLASIA 1 WITH OR WITHOUT ANTERIOR SEGMENT ANOMALIES AND/OR CATARACT; FOVEAL HYPOPLASIA 1 WITH ANTERIOR SEGMENT ANOMALIES. Identifiers: Orphanet 2253, MedGen C3805604, MONDO:0007628, OMIM 136520.
11p partial monosomy syndrome (WAGR). Also called: WAGR Spectrum Disorder; WAGR syndrome; WAGR Complex; CHROMOSOME 11p13 DELETION SYNDROME. Identifiers: Orphanet 893, MedGen C0206115, MONDO:0008681, OMIM 194072.
Aniridia 1 (AN1). Identifiers: Orphanet 250923, MedGen C0344542, MONDO:0024507, OMIM 106210.

Allele frequency attached by ClinVar (database versions not stated): gnomAD 0.00220 and 0.00295; TOPMed 0.00384; 1000 Genomes Project 0.01657; gnomAD exomes 0.00620; 1000 Genomes Project 30x 0.01686.
gnomAD v4.1: 747 of 201,832 alleles (0.37%); highest among the groups gnomAD compares: East Asian, 5.1%; 34 homozygotes.

Submissions (6):

Illumina Laboratory Services, Illumina
Classification: Benign for Foveal hypoplasia 1. Last evaluated: 2018-01-13. Review status: criteria provided, single submitter. Criteria: ICSL Variant Classification Criteria 13 December 2019. Collection method: clinical testing. Allele origin: germline.
Comment: This variant was observed in the ICSL laboratory as part of a predisposition screen in an ostensibly healthy population. It had not been previously curated by ICSL or reported in the Human Gene Mutation Database (HGMD: prior to June 1st, 2018), and was therefore a candidate for classification through an automated scoring system. Utilizing variant allele frequency, disease prevalence and penetrance estimates, and inheritance mode, an automated score was calculated to assess if this variant is too frequent to cause the disease. Based on the score and internal cut-off values, a variant classified as benign is not then subjected to further curation. The score for this variant resulted in a classification of benign for this disease.

Illumina Laboratory Services, Illumina
Classification: Benign for Anophthalmia-microphthalmia syndrome. Last evaluated: 2018-01-13. Review status: criteria provided, single submitter. Criteria: ICSL Variant Classification Criteria 13 December 2019. Collection method: clinical testing. Allele origin: germline.
Comment: the same text as in the submission from Illumina Laboratory Services, Illumina above.

Illumina Laboratory Services, Illumina
Classification: Benign for Aniridia 1. Last evaluated: 2018-01-13. Review status: criteria provided, single submitter. Criteria: ICSL Variant Classification Criteria 13 December 2019. Collection method: clinical testing. Allele origin: germline.
Comment: the same text as in the submission from Illumina Laboratory Services, Illumina above.

Illumina Laboratory Services, Illumina
Classification: Benign for carboxymethyl-dextran-A2-gadolinium-DOTA. Last evaluated: 2018-01-13. Review status: criteria provided, single submitter. Criteria: ICSL Variant Classification Criteria 13 December 2019. Collection method: clinical testing. Allele origin: germline.
Comment: the same text as in the submission from Illumina Laboratory Services, Illumina above.

Illumina Laboratory Services, Illumina
Classification: Benign for Autosomal dominant keratitis. Last evaluated: 2018-01-13. Review status: criteria provided, single submitter. Criteria: ICSL Variant Classification Criteria 13 December 2019. Collection method: clinical testing. Allele origin: germline.
Comment: the same text as in the submission from Illumina Laboratory Services, Illumina above.

Illumina Laboratory Services, Illumina
Classification: Benign for Wilms tumor, aniridia, genitourinary anomalies, and mental retardation syndrome. Last evaluated: 2018-01-13. Review status: criteria provided, single submitter. Criteria: ICSL Variant Classification Criteria 13 December 2019. Collection method: clinical testing. Allele origin: germline.
Comment: the same text as in the submission from Illumina Laboratory Services, Illumina above.

NM_000280.4(PAX6):c.*1063A>G

Genes: ELP4 (elongator acetyltransferase complex subunit 4; plus strand), PAX6 (paired box 6; minus strand). Cytogenetic location: 11p13.
Variant type: single nucleotide variant.
Coding change: c.*1063A>G on transcript NM_000280.4; 1063 bases downstream of the stop codon, A replaced by G.
Molecular consequence: 3 prime UTR variant (on NM_019040.5).
Genome position (GRCh38, 1-based): chr11:31,788,871, T>C on the plus strand (A>G on the coding strand, the complement: PAX6 is on the minus strand). VCF-style: chr11-31788871-T-C. GRCh37 (hg19) VCF-style: chr11-31810419-T-C.
Other names: c.*5333T>C (NM_001288725.2); c.*5442T>C (NM_001288726.2); c.*5347T>C (NM_019040.5); c.*1063A>G (NM_000280.3).
Identifiers: ClinVar variation 304342 (VCV000304342.8), dbSNP rs117590302, ClinGen allele CA10630744.